The following is an entry in ClinVar:

NM_000093.5(COL5A1):c.341C>G (p.Ala114Gly)

Gene: COL5A1 (collagen type V alpha 1 chain; plus strand). Cytogenetic location: 9q34.3.
Variant type: single nucleotide variant.
Coding change: c.341C>G on transcript NM_000093.5 (MANE Select); coding-DNA position 341, C replaced by G.
Protein change: p.Ala114Gly; replaces alanine 114 with glycine.
Molecular consequence: missense variant.
Genome position (GRCh38, 1-based): chr9:134,699,972, C>G. VCF-style: chr9-134699972-C-G. GRCh37 (hg19) VCF-style: chr9-137591818-C-G.
Other names: c.341C>G, p.Ala114Gly (NM_001278074.1); short protein forms A114G.
Identifiers: ClinVar variation 1731244 (VCV001731244.2), dbSNP rs147589613, ClinGen allele CA375442682.

ClinVar aggregate classification (germline): Uncertain significance (1 of 4 stars; one submission).

Conditions:
Familial thoracic aortic aneurysm and aortic dissection (TAAD). Also called: Thoracic aortic aneurysms and dissections. Identifiers: Orphanet 91387, MedGen C4707243, MONDO:0019625.

gnomAD v4.1: 5 of 1,613,828 alleles (0.00031%); highest among the groups gnomAD compares: African/African-American, 0.0053%; no homozygotes.

Submission:

Ambry Genetics
Classification: Uncertain significance for Familial thoracic aortic aneurysm and aortic dissection. Last evaluated: 2021-01-25. Review status: criteria provided, single submitter. Criteria: Ambry Variant Classification Scheme 2023. Collection method: clinical testing. Allele origin: germline.
Comment: The p.A114G variant (also known as c.341C>G), located in coding exon 3 of the COL5A1 gene, results from a C to G substitution at nucleotide position 341. The alanine at codon 114 is replaced by glycine, an amino acid with similar properties. This amino acid position is not well conserved in available vertebrate species. In addition, this alteration is predicted to be tolerated by in silico analysis. Since supporting evidence is limited at this time, the clinical significance of this alteration remains unclear.